The following is an entry in ClinVar:

NM_002463.2(MX2):c.373G>A (p.Gly125Arg)

Gene: MX2 (MX dynamin like GTPase 2; plus strand). Cytogenetic location: 21q22.3.
Variant type: single nucleotide variant.
Coding change: c.373G>A on transcript NM_002463.2 (MANE Select); coding-DNA position 373, G replaced by A.
Protein change: p.Gly125Arg; replaces glycine 125 with arginine.
Molecular consequence: missense variant.
Genome position (GRCh38, 1-based): chr21:41,377,912, G>A. VCF-style: chr21-41377912-G-A. GRCh37 (hg19) VCF-style: chr21-42749839-G-A.
Other names: c.373G>A (NM_002463.1); short protein forms G125R.
Identifiers: ClinVar variation 1014005 (VCV001014005.10), dbSNP rs527335705, ClinGen allele CA10032949.

ClinVar aggregate classification (germline): Uncertain significance. Review status: criteria provided, multiple submitters, no conflicts (2 of 4 stars). 2 submissions from 2 submitters: Uncertain significance (2). Last evaluated 2024-01-17.

Allele frequency attached by ClinVar (database versions not stated): TOPMed below 0.00001; gnomAD 0.00001 and 0.00003; gnomAD exomes 0.00009; ExAC 0.00012; 1000 Genomes Project 30x 0.00016; 1000 Genomes Project 0.00020.
gnomAD v4.1: 52 of 1,614,198 alleles (0.0032%); highest among the groups gnomAD compares: South Asian, 0.042%; no homozygotes.

Submissions (2):

Ambry Genetics
Classification: Uncertain significance. Last evaluated: 2024-01-17. Review status: criteria provided, single submitter. Criteria: Ambry Variant Classification Scheme 2023. Collection method: clinical testing. Allele origin: germline.

Labcorp Genetics (formerly Invitae), Labcorp
Classification: Uncertain significance. Last evaluated: 2020-05-20. Review status: criteria provided, single submitter. Criteria: Invitae Variant Classification Sherloc (09022015). Collection method: clinical testing. Allele origin: germline.
Comment: Algorithms developed to predict the effect of missense changes on protein structure and function (SIFT, PolyPhen-2, Align-GVGD) all suggest that this variant is likely to be disruptive, but these predictions have not been confirmed by published functional studies and their clinical significance is uncertain. Algorithms developed to predict the effect of sequence changes on RNA splicing suggest that this variant may create or strengthen a splice site, but this prediction has not been confirmed by published transcriptional studies. In summary, the available evidence is currently insufficient to determine the role of this variant in disease. Therefore, it has been classified as a Variant of Uncertain Significance. This variant has not been reported in the literature in individuals with MX2-related conditions. This sequence change replaces glycine with arginine at codon 125 of the MX2 protein (p.Gly125Arg). The glycine residue is highly conserved and there is a moderate physicochemical difference between glycine and arginine. This variant is present in population databases (rs527335705, ExAC 0.07%).